The following is an entry in ClinVar:

ClinVar aggregate classification (germline): Conflicting classifications of pathogenicity. Review status: criteria provided, conflicting classifications (1 of 4 stars). 4 submissions from 4 submitters: Uncertain significance (1); Likely benign (3). Last evaluated 2025-07-06.

Conditions:
Primary ciliary dyskinesia. Also called: Ciliary dyskinesia. Identifiers: Orphanet 244, MedGen C0008780, MONDO:0016575, HP:0012265.
Primary ciliary dyskinesia 3. Identifiers: Orphanet 244, MedGen C1837618, MONDO:0012085, OMIM 608644.

Allele frequency attached by ClinVar (database versions not stated): TOPMed 0.00011; gnomAD 0.00013 and 0.00015; 1000 Genomes Project 30x 0.00016; 1000 Genomes Project 0.00020.
gnomAD v4.1: 40 of 1,613,940 alleles (0.0025%); highest among the groups gnomAD compares: African/African-American, 0.052%; no homozygotes.

Submissions (4):

Labcorp Genetics (formerly Invitae), Labcorp
Classification: Likely benign for Primary ciliary dyskinesia. Last evaluated: 2025-07-06. Review status: criteria provided, single submitter. Criteria: Invitae Variant Classification Sherloc (09022015). Collection method: clinical testing. Allele origin: germline.

Ambry Genetics
Classification: Likely benign for Primary ciliary dyskinesia. Last evaluated: 2025-06-20. Review status: criteria provided, single submitter. Criteria: Ambry Variant Classification Scheme 2023. Collection method: clinical testing. Allele origin: germline.

CeGaT Center for Human Genetics Tuebingen
Classification: Likely benign. Last evaluated: 2022-12-01. Review status: criteria provided, single submitter. Criteria: CeGaT Center For Human Genetics Tuebingen Variant Classification Criteria Version 2. Collection method: clinical testing. Allele origin: germline. Affected: yes. Observed: 1 variant allele.
Comment: DNAH5: BP4, BP7

Illumina Laboratory Services, Illumina
Classification: Uncertain significance for Primary ciliary dyskinesia 3. Last evaluated: 2018-01-13. Review status: criteria provided, single submitter. Criteria: ICSL Variant Classification Criteria 13 December 2019. Collection method: clinical testing. Allele origin: germline.

NM_001369.3(DNAH5):c.4587G>A (p.Glu1529=)

Genes: DNAH5 (dynein axonemal heavy chain 5; minus strand), DNAH5-AS1 (DNAH5 antisense RNA 1; plus strand). Cytogenetic location: 5p15.2.
Variant type: single nucleotide variant.
Coding change: c.4587G>A on transcript NM_001369.3 (MANE Select); coding-DNA position 4587, G replaced by A.
Protein change: p.Glu1529=; no amino-acid change (glutamic acid 1529 retained).
Molecular consequence: synonymous variant.
Genome position (GRCh38, 1-based): chr5:13,864,406, C>T on the plus strand (G>A on the coding strand, the complement: DNAH5 is on the minus strand). VCF-style: chr5-13864406-C-T. GRCh37 (hg19) VCF-style: chr5-13864515-C-T.
Identifiers: ClinVar variation 906861 (VCV000906861.38), dbSNP rs569428035, ClinGen allele CA3203945.
Genomic context (GRCh38, chr5:13,864,406, plus strand): 5'-ATCAAATAAATCCCATGAGACCTTGCAATCTTCCATCACATCATACTCTACCTCTATTTC[C>T]TCTTTATATTTCAGAAGAGGTGCCTCCATGATATTTCTTAACTTAAAGCTTTCATTCCCC-3'
Protein context (NP_001360.1, residues 1519-1539): IMEAPLLKYK[Glu1529=]EIEDICISAV